The following is an entry in ClinVar:

NM_003922.4(HERC1):c.40G>A (p.Glu14Lys)

Gene: HERC1 (HECT and RLD domain containing E3 ubiquitin protein ligase family member 1; minus strand). Cytogenetic location: 15q22.31.
Variant type: single nucleotide variant.
Coding change: c.40G>A on transcript NM_003922.4 (MANE Select); coding-DNA position 40, G replaced by A.
Protein change: p.Glu14Lys; replaces glutamic acid 14 with lysine.
Molecular consequence: missense variant.
Genome position (GRCh38, 1-based): chr15:63,775,584, C>T on the plus strand (G>A on the coding strand, the complement: HERC1 is on the minus strand). VCF-style: chr15-63775584-C-T. GRCh37 (hg19) VCF-style: chr15-64067783-C-T.
Other names: short protein forms E14K.
Identifiers: ClinVar variation 3686668 (VCV003686668.2).

ClinVar aggregate classification (germline): Uncertain significance (1 of 4 stars; one submission).

gnomAD v4.1: 1 of 1,607,072 alleles (0.000062%); highest among the groups gnomAD compares: South Asian, 0.0011%; no homozygotes.

Submission:

Labcorp Genetics (formerly Invitae), Labcorp
Classification: Uncertain significance. Last evaluated: 2024-02-23. Review status: criteria provided, single submitter. Criteria: Invitae Variant Classification Sherloc (09022015). Collection method: clinical testing. Allele origin: germline.
Comment: This sequence change replaces glutamic acid, which is acidic and polar, with lysine, which is basic and polar, at codon 14 of the HERC1 protein (p.Glu14Lys). This variant is not present in population databases (gnomAD no frequency). This variant has not been reported in the literature in individuals affected with HERC1-related conditions. Advanced modeling of protein sequence and biophysical properties (such as structural, functional, and spatial information, amino acid conservation, physicochemical variation, residue mobility, and thermodynamic stability) performed at Invitae indicates that this missense variant is not expected to disrupt HERC1 protein function with a negative predictive value of 80%. In summary, the available evidence is currently insufficient to determine the role of this variant in disease. Therefore, it has been classified as a Variant of Uncertain Significance.